The following is an entry in ClinVar:

NM_001849.4(COL6A2):c.2181G>A (p.Ala727=)

Gene: COL6A2 (collagen type VI alpha 2 chain; plus strand). Cytogenetic location: 21q22.3.
Variant type: single nucleotide variant.
Coding change: c.2181G>A on transcript NM_001849.4 (MANE Select); coding-DNA position 2181, G replaced by A.
Protein change: p.Ala727=; no amino-acid change (alanine 727 retained).
Molecular consequence: synonymous variant.
Genome position (GRCh38, 1-based): chr21:46,125,996, G>A. VCF-style: chr21-46125996-G-A. GRCh37 (hg19) VCF-style: chr21-47545910-G-A.
Other names: c.2181G>A, p.Ala727= (NM_058174.3, NM_058175.3).
Identifiers: ClinVar variation 572429 (VCV000572429.22), dbSNP rs111938213, ClinGen allele CA10072461.

ClinVar aggregate classification (germline): Likely benign. Review status: criteria provided, multiple submitters, no conflicts (2 of 4 stars). 3 submissions from 3 submitters: Likely benign (3). Last evaluated 2026-03-01.

Conditions:
Bethlem myopathy 1A. Also called: MYOPATHY, BENIGN CONGENITAL, WITH CONTRACTURES; Bethlem myopathy 1; Bethlem Muscular Dystrophy. Identifiers: Orphanet 610, MedGen CN029274, MONDO:0024530, OMIM 158810.

Allele frequency attached by ClinVar (database versions not stated): ExAC 0.00006; gnomAD exomes 0.00007; 1000 Genomes Project 30x 0.00016; 1000 Genomes Project 0.00020; ESP Exome Variant Server 0.00031; gnomAD 0.00039 and 0.00043; TOPMed 0.00046.
gnomAD v4.1: 131 of 1,613,062 alleles (0.0081%); highest among the groups gnomAD compares: African/African-American, 0.13%; no homozygotes.

Submissions (3):

CeGaT Center for Human Genetics Tuebingen
Classification: Likely benign. Last evaluated: 2026-03-01. Review status: criteria provided, single submitter. Criteria: CeGaT Center For Human Genetics Tuebingen Variant Classification Criteria Version 2. Collection method: clinical testing. Allele origin: germline. Affected: yes. Observed: 3 variant alleles.
Comment: COL6A2: BP4, BP7

Labcorp Genetics (formerly Invitae), Labcorp
Classification: Likely benign for Bethlem myopathy 1A. Last evaluated: 2025-12-22. Review status: criteria provided, single submitter. Criteria: Invitae Variant Classification Sherloc (09022015). Collection method: clinical testing. Allele origin: germline.

Breakthrough Genomics
Classification: Likely benign. Review status: criteria provided, single submitter. Criteria: ACMG Guidelines, 2015. Collection method: not provided. Allele origin: germline. Inheritance: Autosomal recessive inheritance. Affected: yes.